The following is an entry in ClinVar:

NM_199242.3(UNC13D):c.2111A>G (p.Asp704Gly)

Gene: UNC13D (unc-13 homolog D; minus strand). Cytogenetic location: 17q25.1.
Variant type: single nucleotide variant.
Coding change: c.2111A>G on transcript NM_199242.3 (MANE Select); coding-DNA position 2111, A replaced by G.
Protein change: p.Asp704Gly; replaces aspartic acid 704 with glycine.
Molecular consequence: missense variant.
Genome position (GRCh38, 1-based): chr17:75,834,512, T>C on the plus strand (A>G on the coding strand, the complement: UNC13D is on the minus strand). VCF-style: chr17-75834512-T-C. GRCh37 (hg19) VCF-style: chr17-73830593-T-C.
Other names: short protein forms D704G.
Identifiers: ClinVar variation 1338201 (VCV001338201.6), dbSNP rs762112010, ClinGen allele CA8772661.

ClinVar aggregate classification (germline): Uncertain significance. Review status: criteria provided, multiple submitters, no conflicts (2 of 4 stars). 3 submissions from 3 submitters: Uncertain significance (3). Last evaluated 2022-08-16.

Conditions:
Familial hemophagocytic lymphohistiocytosis 3 (FHL3). Also called: UNC13D-Related Familial Hemophagocytic Lymphohistiocytosis (UNC13D-fHLH). Identifiers: Orphanet 540, MedGen C1837174, MONDO:0012146, OMIM 608898.
Inborn genetic diseases. Identifiers: MedGen C0950123, MeSH D030342.

Allele frequency attached by ClinVar (database versions not stated): gnomAD exomes 0.00002 and 0.00004; TOPMed 0.00002; ExAC 0.00011.
gnomAD v4.1: 13 of 1,585,002 alleles (0.00082%); highest among the groups gnomAD compares: Admixed American, 0.024%; no homozygotes.

Submissions (3):

Labcorp Genetics (formerly Invitae), Labcorp
Classification: Uncertain significance for Familial hemophagocytic lymphohistiocytosis 3. Last evaluated: 2022-08-16. Review status: criteria provided, single submitter. Criteria: Invitae Variant Classification Sherloc (09022015). Collection method: clinical testing. Allele origin: germline.
Comment: This sequence change replaces aspartic acid, which is acidic and polar, with glycine, which is neutral and non-polar, at codon 704 of the UNC13D protein (p.Asp704Gly). This variant is present in population databases (rs762112010, gnomAD 0.03%). This variant has not been reported in the literature in individuals affected with UNC13D-related conditions. ClinVar contains an entry for this variant (Variation ID: 1338201). Algorithms developed to predict the effect of missense changes on protein structure and function are either unavailable or do not agree on the potential impact of this missense change (SIFT: "Not Available"; PolyPhen-2: "Benign"; Align-GVGD: "Not Available"). In summary, the available evidence is currently insufficient to determine the role of this variant in disease. Therefore, it has been classified as a Variant of Uncertain Significance.

Genetic Services Laboratory, University of Chicago
Classification: Uncertain significance. Last evaluated: 2021-12-21. Review status: criteria provided, single submitter. Criteria: ACMG Guidelines, 2015. Collection method: clinical testing. Allele origin: germline. Affected: no.
Comment: DNA sequence analysis of the UNC13D gene demonstrated a sequence change, c.2111A>G, in exon 23 that results in an amino acid change, p.Asp704Gly. This sequence change has been described in the gnomAD database with a frequency of 0.03% in the Latino/Admixed American subpopulation (dbSNP rs762112010). The p.Asp704Gly change affects a poorly conserved amino acid residue located in a domain of the UNC13D protein that is not known to be functional. The p.Asp704Gly substitution appears to be benign using several in-silico pathogenicity prediction tools (SIFT, PolyPhen2, Align GVGD, REVEL). This sequence change does not appear to have been previously described in individuals with UNC13D-related disorders. Due to insufficient evidence and the lack of functional studies, the clinical significance of the p.Asp704Gly change remains unknown at this time.

Ambry Genetics
Classification: Uncertain significance for Inborn genetic diseases. Last evaluated: 2021-09-16. Review status: criteria provided, single submitter. Criteria: Ambry Variant Classification Scheme 2023. Collection method: clinical testing. Allele origin: germline.